The following is an entry in ClinVar:

ClinVar aggregate classification (germline): Likely benign. Review status: criteria provided, multiple submitters, no conflicts (2 of 4 stars). 4 submissions from 4 submitters: Likely benign (3). 1 of the submissions does not count toward it. Last evaluated 2026-01-24.

Conditions:
Myofibrillar myopathy 5. Also called: Filaminopathy (type); FILAMINOPATHY, AUTOSOMAL DOMINANT. Identifiers: Orphanet 171445, MedGen C1836050, MONDO:0012289, OMIM 609524.
Hypertrophic cardiomyopathy 26. Also called: Cardiomyopathy, familial hypertrophic, 26. Identifiers: Orphanet 75249, MedGen C4310749, MONDO:0014883, OMIM 617047.
Distal myopathy with posterior leg and anterior hand involvement. Also called: WILLIAMS DISTAL MYOPATHY. Identifiers: Orphanet 63273, MedGen C3279722, MONDO:0013550, OMIM 614065.
Cardiovascular phenotype. Identifiers: MedGen CN230736.
FLNC-related disorder. Also called: FLNC-related condition; FLNC-related disorders.

Allele frequency attached by ClinVar (database versions not stated): gnomAD exomes 0.00003 and 0.00008; ExAC 0.00009; gnomAD 0.00038 and 0.00039; ESP Exome Variant Server 0.00040; TOPMed 0.00041; 1000 Genomes Project 30x 0.00047; 1000 Genomes Project 0.00060.

Submissions (4):

Labcorp Genetics (formerly Invitae), Labcorp
Classification: Likely benign for Distal myopathy with posterior leg and anterior hand involvement; Myofibrillar myopathy 5; Hypertrophic cardiomyopathy 26. Last evaluated: 2026-01-24. Review status: criteria provided, single submitter. Criteria: Invitae Variant Classification Sherloc (09022015). Collection method: clinical testing. Allele origin: germline.

GeneDx
Classification: Likely benign. Last evaluated: 2020-11-10. Review status: criteria provided, single submitter. Criteria: GeneDx Variant Classification Process June 2021. Collection method: clinical testing. Allele origin: germline. Affected: yes.

Ambry Genetics
Classification: Likely benign for Cardiovascular phenotype. Last evaluated: 2019-06-29. Review status: criteria provided, single submitter. Criteria: Ambry Variant Classification Scheme 2023. Collection method: clinical testing. Allele origin: germline.

PreventionGenetics, part of Exact Sciences
Classification: Likely benign for FLNC-related condition. Last evaluated: 2024-03-24. Review status: no assertion criteria provided. Collection method: clinical testing. Allele origin: germline. Not counted in ClinVar's aggregate classification.
Comment: This variant is classified as likely benign based on ACMG/AMP sequence variant interpretation guidelines (Richards et al. 2015 PMID: 25741868, with internal and published modifications).

NM_001458.5(FLNC):c.3847A>G (p.Thr1283Ala)

Gene: FLNC (filamin C; plus strand). Cytogenetic location: 7q32.1.
Variant type: single nucleotide variant.
Coding change: c.3847A>G on transcript NM_001458.5 (MANE Select); coding-DNA position 3847, A replaced by G.
Protein change: p.Thr1283Ala; replaces threonine 1283 with alanine.
Molecular consequence: missense variant.
Genome position (GRCh38, 1-based): chr7:128,846,046, A>G. VCF-style: chr7-128846046-A-G. GRCh37 (hg19) VCF-style: chr7-128486100-A-G.
Other names: c.3847A>G, p.Thr1283Ala (NM_001127487.2); short protein forms T1283A.
Identifiers: ClinVar variation 385867 (VCV000385867.16), dbSNP rs367860958, ClinGen allele CA4475154.